The following is an entry in ClinVar:

NM_013447.4(ADGRE2):c.1635C>A (p.Ser545Arg)

Gene: ADGRE2 (adhesion G protein-coupled receptor E2; minus strand). Cytogenetic location: 19p13.12.
Variant type: single nucleotide variant.
Coding change: c.1635C>A on transcript NM_013447.4 (MANE Select); coding-DNA position 1635, C replaced by A.
Protein change: p.Ser545Arg; replaces serine 545 with arginine.
Molecular consequence: missense variant.
Genome position (GRCh38, 1-based): chr19:14,752,482, G>T on the plus strand (C>A on the coding strand, the complement: ADGRE2 is on the minus strand). VCF-style: chr19-14752482-G-T. GRCh37 (hg19) VCF-style: chr19-14863294-G-T.
Other names: c.1635C>A (NM_013447.2); c.1461C>A, p.Ser487Arg (NM_001271052.1); c.1488C>A, p.Ser496Arg (NM_152916.2); c.1356C>A, p.Ser452Arg (NM_152917.2); short protein forms S487R, S496R, S452R, S545R.
Identifiers: ClinVar variation 2817998 (VCV002817998.4), dbSNP rs2043331585, ClinGen allele CA404453501.
Genomic context (GRCh38, chr19:14,752,482, plus strand): 5'-CTGGATGGCTTTACACAGGAGAAAAGTGAGGGCCGCCAGGAGGAGGCACAGCAGAGAGAC[G>T]CTCAGCCCCATGTAGGTGATGACAGTCAGCACGGGATCCTCCTCCTGGGACCCGGAAAAG-3'
Protein context (NP_038475.2, residues 535-555): VLTVITYMGL[Ser545Arg]VSLLCLLLAA

ClinVar aggregate classification (germline): Uncertain significance. Review status: criteria provided, multiple submitters, no conflicts (2 of 4 stars). 2 submissions from 2 submitters: Uncertain significance (2). Last evaluated 2024-12-02.

Allele frequency attached by ClinVar (database versions not stated): gnomAD 0.00001.
gnomAD v4.1: 1 of 1,613,978 alleles (0.000062%); highest among the groups gnomAD compares: Admixed American, 0.0017%; no homozygotes.

Submissions (2):

Ambry Genetics
Classification: Uncertain significance. Last evaluated: 2024-12-02. Review status: criteria provided, single submitter. Criteria: Ambry Variant Classification Scheme 2023. Collection method: clinical testing. Allele origin: germline.

Labcorp Genetics (formerly Invitae), Labcorp
Classification: Uncertain significance. Last evaluated: 2023-07-25. Review status: criteria provided, single submitter. Criteria: Invitae Variant Classification Sherloc (09022015). Collection method: clinical testing. Allele origin: germline.
Comment: This variant has not been reported in the literature in individuals affected with ADGRE2-related conditions. This variant is not present in population databases (gnomAD no frequency). This sequence change replaces serine, which is neutral and polar, with arginine, which is basic and polar, at codon 545 of the ADGRE2 protein (p.Ser545Arg). An algorithm developed to predict the effect of missense changes on protein structure and function (PolyPhen-2) suggests that this variant is likely to be disruptive. In summary, the available evidence is currently insufficient to determine the role of this variant in disease. Therefore, it has been classified as a Variant of Uncertain Significance.